The following is an entry in ClinVar:

ClinVar aggregate classification (germline): Benign/Likely benign. Review status: criteria provided, multiple submitters, no conflicts (2 of 4 stars). 9 submissions from 9 submitters: Benign (3); Likely benign (6). Last evaluated 2025-12-14.

Conditions:
Classic or attenuated familial adenomatous polyposis. Identifiers: MedGen CN372698, MONDO:0021057.
Hereditary cancer-predisposing syndrome. Also called: Neoplastic Syndromes, Hereditary; Hereditary Cancer Syndrome; Tumor predisposition; Hereditary neoplastic syndrome. Identifiers: Orphanet 140162, MedGen C0027672, MeSH D009386, MONDO:0015356.
Familial adenomatous polyposis 1 (FAP1). Also called: FAMILIAL ADENOMATOUS POLYPOSIS 1, ATTENUATED; POLYPOSIS, ADENOMATOUS INTESTINAL. Identifiers: MedGen C2713442, MONDO:0021056, OMIM 175100. Disease mechanism: loss of function.

Allele frequency attached by ClinVar (database versions not stated): gnomAD 0.00002; TOPMed 0.00002; gnomAD exomes 0.00010 and 0.00026; ExAC 0.00052.
gnomAD v4.1: 166 of 1,613,776 alleles (0.01%); highest among the groups gnomAD compares: Non-Finnish European, 0.0096%; 1 homozygote.

Submissions (9):

Labcorp Genetics (formerly Invitae), Labcorp
Classification: Benign for Familial adenomatous polyposis 1. Last evaluated: 2025-12-14. Review status: criteria provided, single submitter. Criteria: Invitae Variant Classification Sherloc (09022015). Collection method: clinical testing. Allele origin: germline.

All of Us Research Program, National Institutes of Health
Classification: Likely benign for Classic or attenuated familial adenomatous polyposis. Last evaluated: 2024-05-13. Review status: criteria provided, single submitter. Criteria: ACMG Guidelines, 2015. Collection method: clinical testing. Allele origin: germline. Inheritance: Autosomal dominant inheritance. Observed: 4 variant alleles, 4 heterozygotes.
Comment: This study involves interpretation of variants in research participants for the purpose of population health screening. Participant phenotype was not available at the time of variant classification. Additional details can be found in publication PMID: 35346344, PMCID: PMC8962531

Blueprint Genetics
Classification: Likely benign. Last evaluated: 2024-04-26. Review status: criteria provided, single submitter. Criteria: ACMG Guidelines, 2015. Collection method: clinical testing. Allele origin: germline.

Myriad Genetics, Inc.
Classification: Benign for Familial adenomatous polyposis 1. Last evaluated: 2024-04-08. Review status: criteria provided, single submitter. Criteria: Myriad Autosomal Dominant, Autosomal Recessive and X-Linked Classification Criteria (2023). Collection method: clinical testing. Allele origin: unknown.
Comment: This variant is considered benign. This variant is a silent/synonymous amino acid change and it is not expected to impact splicing.

Institute for Biomarker Research, Medical Diagnostic Laboratories, L.L.C.
Classification: Likely benign for Hereditary cancer-predisposing syndrome. Last evaluated: 2023-05-25. Review status: criteria provided, single submitter. Criteria: ACMG Guidelines, 2015. Collection method: clinical testing. Allele origin: germline.

Quest Diagnostics Nichols Institute San Juan Capistrano
Classification: Benign. Last evaluated: 2023-01-25. Review status: criteria provided, single submitter. Criteria: Quest Diagnostics criteria. Collection method: clinical testing. Allele origin: unknown.

GeneDx
Classification: Likely benign. Last evaluated: 2019-04-19. Review status: criteria provided, single submitter. Criteria: GeneDx Variant Classification Process June 2021. Collection method: clinical testing. Allele origin: germline. Affected: yes.
Comment: This variant is associated with the following publications: (PMID: 15122587)

Color Diagnostics, LLC DBA Color Health
Classification: Likely benign for Hereditary cancer-predisposing syndrome. Last evaluated: 2017-09-22. Review status: criteria provided, single submitter. Criteria: ACMG Guidelines, 2015. Collection method: clinical testing. Allele origin: germline.

Ambry Genetics
Classification: Likely benign for Hereditary cancer-predisposing syndrome. Last evaluated: 2015-07-17. Review status: criteria provided, single submitter. Criteria: Ambry Variant Classification Scheme 2023. Collection method: clinical testing. Allele origin: germline.

Literature cited by the submitters: PubMed 15122587 (cited by Quest Diagnostics Nichols Institute San Juan Capistrano and Ambry Genetics).

NM_000038.6(APC):c.7020C>T (p.Asn2340=)

Gene: APC (APC regulator of Wnt signaling pathway; plus strand). Cytogenetic location: 5q22.2.
Variant type: single nucleotide variant.
Coding change: c.7020C>T on transcript NM_000038.6 (MANE Select); coding-DNA position 7020, C replaced by T.
Protein change: p.Asn2340=; no amino-acid change (asparagine 2340 retained).
Molecular consequence: synonymous variant.
Genome position (GRCh38, 1-based): chr5:112,842,614, C>T. VCF-style: chr5-112842614-C-T. GRCh37 (hg19) VCF-style: chr5-112178311-C-T.
Other names: c.7020C>T, p.Asn2340= (NM_001127510.3, NM_001354895.2); c.6966C>T, p.Asn2322= (NM_001127511.3); c.7074C>T, p.Asn2358= (NM_001354896.2); c.7050C>T, p.Asn2350= (NM_001354897.2); c.6945C>T, p.Asn2315= (NM_001354898.2); c.6936C>T, p.Asn2312= (NM_001354899.2); c.6897C>T, p.Asn2299= (NM_001354900.2); c.6843C>T, p.Asn2281= (NM_001354901.2); and 5 more.
Identifiers: ClinVar variation 232829 (VCV000232829.25), dbSNP rs773108684, ClinGen allele CA046671.